The following is an entry in ClinVar:

NM_001352754.2(ARMC9):c.851A>G (p.His284Arg)

Gene: ARMC9 (armadillo repeat containing 9; plus strand). Cytogenetic location: 2q37.1.
Variant type: single nucleotide variant.
Coding change: c.851A>G on transcript NM_001352754.2 (MANE Select); coding-DNA position 851, A replaced by G.
Protein change: p.His284Arg; replaces histidine 284 with arginine.
Molecular consequence: missense variant. On other transcripts: non-coding transcript variant (1), intron variant (2).
Genome position (GRCh38, 1-based): chr2:231,240,013, A>G. VCF-style: chr2-231240013-A-G. GRCh37 (hg19) VCF-style: chr2-232104726-A-G.
Other names: c.851A>G, p.His284Arg (NM_001352759.2, NM_025139.6, NM_001271466.4 and 3 more transcripts); c.780+4632A>G (NM_001352757.2, NM_001352758.2); c.851A>G (NM_025139.3); short protein forms H284R.
Identifiers: ClinVar variation 1518935 (VCV001518935.9), dbSNP rs769363225, ClinGen allele CA2160070.

ClinVar aggregate classification (germline): Conflicting classifications of pathogenicity. Review status: criteria provided, conflicting classifications (1 of 4 stars). 2 submissions from 2 submitters: Uncertain significance (1); Likely benign (1). Last evaluated 2024-07-08.

Conditions:
Inborn genetic diseases. Identifiers: MedGen C0950123, MeSH D030342.

Allele frequency attached by ClinVar (database versions not stated): TOPMed below 0.00001; ExAC 0.00001; gnomAD exomes 0.00001.
gnomAD v4.1: 6 of 1,613,878 alleles (0.00037%); highest among the groups gnomAD compares: Admixed American, 0.0083%; no homozygotes.

Submissions (2):

Ambry Genetics
Classification: Likely benign for Inborn genetic diseases. Last evaluated: 2024-07-08. Review status: criteria provided, single submitter. Criteria: Ambry Variant Classification Scheme 2023. Collection method: clinical testing. Allele origin: germline.

Labcorp Genetics (formerly Invitae), Labcorp
Classification: Uncertain significance. Last evaluated: 2024-02-23. Review status: criteria provided, single submitter. Criteria: Invitae Variant Classification Sherloc (09022015). Collection method: clinical testing. Allele origin: germline.
Comment: This sequence change replaces histidine, which is basic and polar, with arginine, which is basic and polar, at codon 284 of the ARMC9 protein (p.His284Arg). This variant is present in population databases (rs769363225, gnomAD 0.006%). This variant has not been reported in the literature in individuals affected with ARMC9-related conditions. ClinVar contains an entry for this variant (Variation ID: 1518935). Experimental studies and prediction algorithms are not available or were not evaluated, and the functional significance of this variant is currently unknown. In summary, the available evidence is currently insufficient to determine the role of this variant in disease. Therefore, it has been classified as a Variant of Uncertain Significance.